The following is an entry in ClinVar:

NM_013339.4(ALG6):c.1178C>A (p.Thr393Lys)

Gene: ALG6 (ALG6 alpha-1,3-glucosyltransferase; plus strand). Cytogenetic location: 1p31.3.
Variant type: single nucleotide variant.
Coding change: c.1178C>A on transcript NM_013339.4 (MANE Select); coding-DNA position 1178, C replaced by A.
Protein change: p.Thr393Lys; replaces threonine 393 with lysine.
Molecular consequence: missense variant.
Genome position (GRCh38, 1-based): chr1:63,428,978, C>A. VCF-style: chr1-63428978-C-A. GRCh37 (hg19) VCF-style: chr1-63894649-C-A.
Other names: short protein forms T393K.
Identifiers: ClinVar variation 1505326 (VCV001505326.7), dbSNP rs1644631363, ClinGen allele CA340640015.

ClinVar aggregate classification (germline): Uncertain significance (1 of 4 stars; one submission).

Conditions:
ALG6-congenital disorder of glycosylation 1C (CDG1C). Also called: Congenital disorder of glycosylation, type Ic; CARBOHYDRATE-DEFICIENT GLYCOPROTEIN SYNDROME, TYPE I, WITH DEFICIENT GLYCOSYLATION OF DOLICHOL-LINKED OLIGOSACCHARIDE; CARBOHYDRATE-DEFICIENT GLYCOPROTEIN SYNDROME, TYPE V; Congenital disorder of glycosylation type 1C; CDG Ic. Identifiers: Orphanet 79320, MedGen C2930997, MONDO:0011291, OMIM 603147.

Allele frequency attached by ClinVar (database versions not stated): gnomAD exomes below 0.00001; TOPMed below 0.00001.
gnomAD v4.1: 3 of 1,612,970 alleles (0.00019%); highest among the groups gnomAD compares: Non-Finnish European, 0.00025%; no homozygotes.

Submission:

Labcorp Genetics (formerly Invitae), Labcorp
Classification: Uncertain significance for ALG6-congenital disorder of glycosylation 1C. Last evaluated: 2021-05-31. Review status: criteria provided, single submitter. Criteria: Invitae Variant Classification Sherloc (09022015). Collection method: clinical testing. Allele origin: germline.
Comment: In summary, the available evidence is currently insufficient to determine the role of this variant in disease. Therefore, it has been classified as a Variant of Uncertain Significance. Algorithms developed to predict the effect of missense changes on protein structure and function are either unavailable or do not agree on the potential impact of this missense change (SIFT: "Deleterious"; PolyPhen-2: "Possibly Damaging"; Align-GVGD: "Class C0"). This variant has not been reported in the literature in individuals with ALG6-related conditions. This variant is not present in population databases (ExAC no frequency). This sequence change replaces threonine with lysine at codon 393 of the ALG6 protein (p.Thr393Lys). The threonine residue is moderately conserved and there is a moderate physicochemical difference between threonine and lysine.